The following is an entry in ClinVar:

NM_017763.6(RNF43):c.1430A>T (p.Asp477Val)

Gene: RNF43 (ring finger protein 43; minus strand). Cytogenetic location: 17q22.
Variant type: single nucleotide variant.
Coding change: c.1430A>T on transcript NM_017763.6 (MANE Select); coding-DNA position 1430, A replaced by T.
Protein change: p.Asp477Val; replaces aspartic acid 477 with valine.
Molecular consequence: missense variant.
Genome position (GRCh38, 1-based): chr17:58,358,346, T>A on the plus strand (A>T on the coding strand, the complement: RNF43 is on the minus strand). VCF-style: chr17-58358346-T-A. GRCh37 (hg19) VCF-style: chr17-56435707-T-A.
Other names: c.1430A>T, p.Asp477Val (NM_001305544.3); c.1049A>T, p.Asp350Val (NM_001305545.2); short protein forms D350V, D477V.
Identifiers: ClinVar variation 3789902 (VCV003789902.1).
Genomic context (GRCh38, chr17:58,358,346, plus strand): 5'-AAAGTAGAACTGCTGCCATGGACCCCCTGTAGGCTGATGTCCGTGCAGTTGACCACAGAG[T>A]CACTGGAAGAGCCATGACAGGGCCCTGAGCTGGAGTCACTGGCTGGCCCATCTGCCAGGT-3'
Protein context (NP_060233.3, residues 467-487): SSGPCHGSSS[Asp477Val]SVVNCTDISL

ClinVar aggregate classification (germline): Uncertain significance (1 of 4 stars; one submission).

Submission:

Ambry Genetics
Classification: Uncertain significance. Last evaluated: 2025-01-14. Review status: criteria provided, single submitter. Criteria: Ambry Variant Classification Scheme 2023. Collection method: clinical testing. Allele origin: germline.
Comment: The p.D477V variant (also known as c.1430A>T), located in coding exon 8 of the RNF43 gene, results from an A to T substitution at nucleotide position 1430. The aspartic acid at codon 477 is replaced by valine, an amino acid with highly dissimilar properties. This amino acid position is conserved. In addition, the in silico prediction for this alteration is inconclusive. Based on the available evidence, the clinical significance of this variant remains unclear.